The following is an entry in ClinVar:

NM_004415.4(DSP):c.1609_1610del (p.Trp537fs)

Gene: DSP (desmoplakin; plus strand). Cytogenetic location: 6p24.3.
Variant type: Microsatellite.
Coding change: c.1609_1610del on transcript NM_004415.4 (MANE Select); coding-DNA positions 1609 to 1610, 2 bases deleted (TG; older notation c.1609_1610delTG).
Protein change: p.Trp537fs; shifts the reading frame from tryptophan 537.
Molecular consequence: frameshift variant.
Genome position (GRCh38, 1-based): chr6:7,570,471-7,570,472, TG deleted; deleting any 2 consecutive bases within chr6:7,570,469-7,570,472 gives the same sequence; the c. name uses the placement nearest the transcript's 3' end. VCF-style (leftmost placement, unchanged base first): chr6-7570468-CTG-C. GRCh37 (hg19) VCF-style: chr6-7570701-CTG-C.
Other names: c.1609_1610delTG (NM_004415.2); c.1609_1610del, p.Trp537fs (NM_001008844.3, NM_001319034.2); c.1607_1608TG[1], p.Trp537Glufs (NM_004415.2); short protein forms W537fs.
Identifiers: ClinVar variation 2082230 (VCV002082230.5), dbSNP rs2533890304, ClinGen allele CA2580614828.

ClinVar aggregate classification (germline): Pathogenic. Review status: criteria provided, multiple submitters, no conflicts (2 of 4 stars). 2 submissions from 2 submitters: Pathogenic (2). Last evaluated 2025-03-22.

Conditions:
Arrhythmogenic cardiomyopathy with wooly hair and keratoderma. Also called: Dilated cardiomyopathy with woolly hair and keratoderma; Arrhythmogenic cardiomyopathy with woolly hair and keratoderma; Carvajal syndrome; PALMOPLANTAR KERATODERMA WITH LEFT VENTRICULAR CARDIOMYOPATHY AND WOOLLY HAIR. Identifiers: Orphanet 65282, MedGen C1854063, MONDO:0011581, OMIM 605676.
Arrhythmogenic right ventricular dysplasia 8 (ARVD8). Also called: Arrhythmogenic Right Ventricular Dysplasia/Cardiomyopathy 8; ARRHYTHMOGENIC RIGHT VENTRICULAR DYSPLASIA, FAMILIAL, 8; ARRHYTHMOGENIC RIGHT VENTRICULAR CARDIOMYOPATHY 8. Identifiers: MedGen C1843896, MONDO:0011831, OMIM 607450.
Cardiovascular phenotype. Identifiers: MedGen CN230736.

Submissions (2):

Ambry Genetics
Classification: Pathogenic for Cardiovascular phenotype. Last evaluated: 2025-03-22. Review status: criteria provided, single submitter. Criteria: Ambry Variant Classification Scheme 2023. Collection method: clinical testing. Allele origin: germline.
Comment: The c.1609_1610delTG pathogenic mutation, located in coding exon 13 of the DSP gene, results from a deletion of two nucleotides at nucleotide positions 1609 to 1610, causing a translational frameshift with a predicted alternate stop codon (p.W537Efs*19). This variant is considered to be rare based on population cohorts in the Genome Aggregation Database (gnomAD). This alteration is expected to result in loss of function by premature protein truncation or nonsense-mediated mRNA decay. As such, this alteration is interpreted as a disease-causing mutation.

Labcorp Genetics (formerly Invitae), Labcorp
Classification: Pathogenic for Arrhythmogenic cardiomyopathy with wooly hair and keratoderma; Arrhythmogenic right ventricular dysplasia 8. Last evaluated: 2023-11-07. Review status: criteria provided, single submitter. Criteria: Invitae Variant Classification Sherloc (09022015). Collection method: clinical testing. Allele origin: germline.
Comment: This sequence change creates a premature translational stop signal (p.Trp537Glufs*19) in the DSP gene. It is expected to result in an absent or disrupted protein product. Loss-of-function variants in DSP are known to be pathogenic (PMID: 20716751, 24503780, 25227139). This variant is not present in population databases (gnomAD no frequency). This variant has not been reported in the literature in individuals affected with DSP-related conditions. For these reasons, this variant has been classified as Pathogenic.

Literature cited by the submitters: PubMed 20716751 (cited by Labcorp Genetics (formerly Invitae), Labcorp); PubMed 24503780 (cited by Labcorp Genetics (formerly Invitae), Labcorp); PubMed 25227139 (cited by Labcorp Genetics (formerly Invitae), Labcorp).